The following is an entry in ClinVar:

ClinVar aggregate classification (germline): Uncertain significance. Review status: criteria provided, multiple submitters, no conflicts (2 of 4 stars). 3 submissions from 3 submitters: Uncertain significance (3). Last evaluated 2025-11-23.

Conditions:
Familial cancer of breast. Also called: BREAST CANCER, FAMILIAL; Hereditary breast cancer; hereditary breast carcinoma. Identifiers: Orphanet 227535, MedGen C0346153, MONDO:0016419, OMIM 114480. Disease mechanism: loss of function.
Hereditary cancer-predisposing syndrome. Also called: Neoplastic Syndromes, Hereditary; Tumor predisposition; Hereditary neoplastic syndrome; Hereditary Cancer Syndrome. Identifiers: Orphanet 140162, MedGen C0027672, MeSH D009386, MONDO:0015356.

Allele frequency attached by ClinVar (database versions not stated): gnomAD exomes below 0.00001.
gnomAD v4.1: 3 of 1,613,822 alleles (0.00019%); highest among the groups gnomAD compares: Non-Finnish European, 0.00025%; no homozygotes.

Submissions (3):

Labcorp Genetics (formerly Invitae), Labcorp
Classification: Uncertain significance for Familial cancer of breast. Last evaluated: 2025-11-23. Review status: criteria provided, single submitter. Criteria: Invitae Variant Classification Sherloc (09022015). Collection method: clinical testing. Allele origin: germline.
Comment: This sequence change replaces serine, which is neutral and polar, with cysteine, which is neutral and slightly polar, at codon 12 of the CHEK2 protein (p.Ser12Cys). This variant is present in population databases (no rsID available, gnomAD 0.0009%). This variant has not been reported in the literature in individuals affected with CHEK2-related conditions. ClinVar contains an entry for this variant (Variation ID: 823973). An algorithm developed to predict the effect of missense changes on protein structure and function (PolyPhen-2) suggests that this variant is likely to be tolerated. In summary, the available evidence is currently insufficient to determine the role of this variant in disease. Therefore, it has been classified as a Variant of Uncertain Significance.

Color Diagnostics, LLC DBA Color Health
Classification: Uncertain significance for Hereditary cancer-predisposing syndrome. Last evaluated: 2024-03-06. Review status: criteria provided, single submitter. Criteria: ACMG Guidelines, 2015. Collection method: clinical testing. Allele origin: germline.
Comment: This missense variant replaces serine with cysteine at codon 12 of the CHEK2 protein. Computational prediction suggests that this variant may not impact protein structure and function (internally defined REVEL score threshold <= 0.5, PMID: 27666373). Splice site prediction tools suggest that this variant may not impact RNA splicing. To our knowledge, functional studies have not been performed for this variant. This variant has not been reported in individuals affected with hereditary cancer in the literature. This variant has been identified in 1/246474 chromosomes in the general population by the Genome Aggregation Database (gnomAD). The available evidence is insufficient to determine the role of this variant in disease conclusively. Therefore, this variant is classified as a Variant of Uncertain Significance.

Ambry Genetics
Classification: Uncertain significance for Hereditary cancer-predisposing syndrome. Last evaluated: 2019-05-23. Review status: criteria provided, single submitter. Criteria: Ambry Variant Classification Scheme 2023. Collection method: clinical testing. Allele origin: germline.
Comment: The p.S12C variant (also known as c.35C>G), located in coding exon 1 of the CHEK2 gene, results from a C to G substitution at nucleotide position 35. The serine at codon 12 is replaced by cysteine, an amino acid with dissimilar properties. This amino acid position is not well conserved in available vertebrate species. In addition, the in silico prediction for this alteration is inconclusive. Since supporting evidence is limited at this time, the clinical significance of this alteration remains unclear.

NM_007194.4(CHEK2):c.35C>G (p.Ser12Cys)

Gene: CHEK2 (checkpoint kinase 2; minus strand). Cytogenetic location: 22q12.1.
Variant type: single nucleotide variant.
Coding change: c.35C>G on transcript NM_007194.4 (MANE Select); coding-DNA position 35, C replaced by G.
Protein change: p.Ser12Cys; replaces serine 12 with cysteine.
Molecular consequence: missense variant.
Genome position (GRCh38, 1-based): chr22:28,734,687, G>C on the plus strand (C>G on the coding strand, the complement: CHEK2 is on the minus strand). VCF-style: chr22-28734687-G-C. GRCh37 (hg19) VCF-style: chr22-29130675-G-C.
Other names: c.35C>G, p.Ser12Cys (NM_001005735.3, NM_001349956.3, NM_145862.3); c.-743C>G (NM_001257387.3); short protein forms S12C.
Identifiers: ClinVar variation 823973 (VCV000823973.17), dbSNP rs1166395498, ClinGen allele CA411091964.